The following is an entry in ClinVar:

ClinVar aggregate classification (germline): Uncertain significance. Review status: criteria provided, multiple submitters, no conflicts (2 of 4 stars). 2 submissions from 2 submitters: Uncertain significance (2). Last evaluated 2024-11-23.

Allele frequency attached by ClinVar (database versions not stated): gnomAD exomes 0.00002; ExAC 0.00004; ESP Exome Variant Server 0.00008.
gnomAD v4.1: 38 of 1,611,536 alleles (0.0024%); highest among the groups gnomAD compares: Middle Eastern, 0.033%; no homozygotes.

Submissions (2):

Ambry Genetics
Classification: Uncertain significance. Last evaluated: 2024-11-23. Review status: criteria provided, single submitter. Criteria: Ambry Variant Classification Scheme 2023. Collection method: clinical testing. Allele origin: germline.
Comment: The p.I226T variant (also known as c.677T>C), located in coding exon 5 of the GEN1 gene, results from a T to C substitution at nucleotide position 677. The isoleucine at codon 226 is replaced by threonine, an amino acid with similar properties. This amino acid position is conserved. In addition, the in silico prediction for this alteration is inconclusive. Based on the available evidence, the clinical significance of this variant remains unclear.

Labcorp Genetics (formerly Invitae), Labcorp
Classification: Uncertain significance. Last evaluated: 2023-08-09. Review status: criteria provided, single submitter. Criteria: Invitae Variant Classification Sherloc (09022015). Collection method: clinical testing. Allele origin: germline.
Comment: Algorithms developed to predict the effect of missense changes on protein structure and function output the following: SIFT: "Not Available"; PolyPhen-2: "Probably Damaging"; Align-GVGD: "Not Available". The threonine amino acid residue is found in multiple mammalian species, which suggests that this missense change does not adversely affect protein function. This sequence change replaces isoleucine, which is neutral and non-polar, with threonine, which is neutral and polar, at codon 226 of the GEN1 protein (p.Ile226Thr). This variant is present in population databases (rs143219130, gnomAD 0.007%). This variant has not been reported in the literature in individuals affected with GEN1-related conditions. ClinVar contains an entry for this variant (Variation ID: 1517540). In summary, the available evidence is currently insufficient to determine the role of this variant in disease. Therefore, it has been classified as a Variant of Uncertain Significance.

NM_001130009.3(GEN1):c.677T>C (p.Ile226Thr)

Gene: GEN1 (GEN1 structure-specific endonuclease; plus strand). Cytogenetic location: 2p24.2.
Variant type: single nucleotide variant.
Coding change: c.677T>C on transcript NM_001130009.3 (MANE Select); coding-DNA position 677, T replaced by C.
Protein change: p.Ile226Thr; replaces isoleucine 226 with threonine.
Molecular consequence: missense variant.
Genome position (GRCh38, 1-based): chr2:17,768,778, T>C. VCF-style: chr2-17768778-T-C. GRCh37 (hg19) VCF-style: chr2-17950045-T-C.
Other names: c.677T>C (NM_001130009.1); c.677T>C, p.Ile226Thr (NM_182625.5); short protein forms I226T.
Identifiers: ClinVar variation 1517540 (VCV001517540.8), dbSNP rs143219130, ClinGen allele CA1540508.